The following is an entry in ClinVar:

NM_024408.4(NOTCH2):c.3701A>G (p.His1234Arg)

Gene: NOTCH2 (notch receptor 2; minus strand). Cytogenetic location: 1p12.
Variant type: single nucleotide variant.
Coding change: c.3701A>G on transcript NM_024408.4 (MANE Select); coding-DNA position 3701, A replaced by G.
Protein change: p.His1234Arg; replaces histidine 1234 with arginine.
Molecular consequence: missense variant.
Genome position (GRCh38, 1-based): chr1:119,929,167, T>C on the plus strand (A>G on the coding strand, the complement: NOTCH2 is on the minus strand). VCF-style: chr1-119929167-T-C. GRCh37 (hg19) VCF-style: chr1-120471790-T-C.
Other names: short protein forms H1234R.
Identifiers: ClinVar variation 1430584 (VCV001430584.7), dbSNP rs782254462, ClinGen allele CA1039979.
Genomic context (GRCh38, chr1:119,929,167, plus strand): 5'-GGCAAGCAGCGACAACTGTAGCCTCCAATCCTATCCATGCACTGACCACCATTAAGGCAA[T>C]GGGGACCCCGGGCACAGTCATCAATGTTCTCTTCACAGAGTAGGCCTGGAGGAAAGAGAA-3'
Protein context (NP_077719.2, residues 1224-1244): ENIDDCARGP[His1234Arg]CLNGGQCMDR

ClinVar aggregate classification (germline): Uncertain significance. Review status: criteria provided, multiple submitters, no conflicts (2 of 4 stars). 2 submissions from 2 submitters: Uncertain significance (2). Last evaluated 2025-11-11.

Conditions:
Hajdu-Cheney syndrome (HJCYS). Also called: SERPENTINE FIBULA-POLYCYSTIC KIDNEY SYNDROME; ACROOSTEOLYSIS WITH OSTEOPOROSIS AND CHANGES IN SKULL AND MANDIBLE; Acroosteolysis dominant type. Identifiers: Orphanet 955, MedGen C0917715, MONDO:0007057, OMIM 102500.
Alagille syndrome due to a NOTCH2 point mutation. Also called: Alagille syndrome 2. Identifiers: Orphanet 261629, Orphanet 52, MedGen C1857761, MONDO:0012439, OMIM 610205.

Allele frequency attached by ClinVar (database versions not stated): gnomAD 0.00001; gnomAD exomes 0.00001; ExAC 0.00002.
gnomAD v4.1: 6 of 1,614,058 alleles (0.00037%); highest among the groups gnomAD compares: Non-Finnish European, 0.00051%; no homozygotes.

Submissions (2):

Labcorp Genetics (formerly Invitae), Labcorp
Classification: Uncertain significance for Hajdu-Cheney syndrome. Last evaluated: 2025-11-11. Review status: criteria provided, single submitter. Criteria: Invitae Variant Classification Sherloc (09022015). Collection method: clinical testing. Allele origin: germline.
Comment: This sequence change replaces histidine, which is basic and polar, with arginine, which is basic and polar, at codon 1234 of the NOTCH2 protein (p.His1234Arg). This variant is present in population databases (rs782254462, gnomAD 0.003%). This variant has not been reported in the literature in individuals affected with NOTCH2-related conditions. ClinVar contains an entry for this variant (Variation ID: 1430584). Invitae Evidence Modeling of protein sequence and biophysical properties (such as structural, functional, and spatial information, amino acid conservation, physicochemical variation, residue mobility, and thermodynamic stability) indicates that this missense variant is not expected to disrupt NOTCH2 protein function with a negative predictive value of 80%. In summary, the available evidence is currently insufficient to determine the role of this variant in disease. Therefore, it has been classified as a Variant of Uncertain Significance.

Fulgent Genetics
Classification: Uncertain significance for Hajdu-Cheney syndrome; Alagille syndrome due to a NOTCH2 point mutation. Last evaluated: 2022-04-08. Review status: criteria provided, single submitter. Criteria: ACMG Guidelines, 2015. Collection method: clinical testing. Allele origin: unknown.